The following is an entry in ClinVar:

ClinVar aggregate classification (germline): Uncertain significance. Review status: criteria provided, multiple submitters, no conflicts (2 of 4 stars). 2 submissions from 2 submitters: Uncertain significance (2). Last evaluated 2022-06-04.

Conditions:
Netherton syndrome (NETH). Also called: NETHERTON DISEASE; ERYTHRODERMA, ICHTHYOSIFORM, WITH HYPOTRICHOSIS AND HYPER-IgE; COMEL-NETHERTON SYNDROME. Identifiers: Orphanet 634, MedGen C5574950, MONDO:0009735, OMIM 256500.

Allele frequency attached by ClinVar (database versions not stated): gnomAD 0.00006; TOPMed 0.00006; 1000 Genomes Project 30x 0.00047.
gnomAD v4.1: 97 of 1,613,720 alleles (0.006%); highest among the groups gnomAD compares: South Asian, 0.057%; 1 homozygote.

Submissions (2):

Labcorp Genetics (formerly Invitae), Labcorp
Classification: Uncertain significance for Ichthyosis linearis circumflexa. Last evaluated: 2022-06-04. Review status: criteria provided, single submitter. Criteria: Invitae Variant Classification Sherloc (09022015). Collection method: clinical testing. Allele origin: germline.
Comment: This sequence change replaces glycine, which is neutral and non-polar, with arginine, which is basic and polar, at codon 447 of the SPINK5 protein (p.Gly447Arg). This variant is present in population databases (rs765752936, gnomAD 0.1%). This variant has not been reported in the literature in individuals affected with SPINK5-related conditions. ClinVar contains an entry for this variant (Variation ID: 860272). Algorithms developed to predict the effect of missense changes on protein structure and function are either unavailable or do not agree on the potential impact of this missense change (SIFT: "Deleterious"; PolyPhen-2: "Probably Damaging"; Align-GVGD: "Class C0"). In summary, the available evidence is currently insufficient to determine the role of this variant in disease. Therefore, it has been classified as a Variant of Uncertain Significance.

Illumina Laboratory Services, Illumina
Classification: Uncertain significance for Netherton syndrome. Last evaluated: 2018-01-22. Review status: criteria provided, single submitter. Criteria: ICSL Variant Classification Criteria 13 December 2019. Collection method: clinical testing. Allele origin: germline.

NM_006846.4(SPINK5):c.1339G>A (p.Gly447Arg)

Gene: SPINK5 (serine peptidase inhibitor Kazal type 5; plus strand). Cytogenetic location: 5q32.
Variant type: single nucleotide variant.
Coding change: c.1339G>A on transcript NM_006846.4 (MANE Select); coding-DNA position 1339, G replaced by A.
Protein change: p.Gly447Arg; replaces glycine 447 with arginine.
Molecular consequence: missense variant.
Genome position (GRCh38, 1-based): chr5:148,101,817, G>A. VCF-style: chr5-148101817-G-A. GRCh37 (hg19) VCF-style: chr5-147481380-G-A.
Other names: c.1339G>A, p.Gly447Arg (NM_001127698.2, NM_001127699.2); short protein forms G447R.
Identifiers: ClinVar variation 860272 (VCV000860272.10), dbSNP rs765752936, ClinGen allele CA3495565.